The following is an entry in ClinVar:

ClinVar aggregate classification (germline): Likely benign (1 of 4 stars; one submission).

gnomAD v4.1: 515 of 1,612,966 alleles (0.032%); highest among the groups gnomAD compares: Non-Finnish European, 0.036%; no homozygotes.

Submission:

CeGaT Center for Human Genetics Tuebingen
Classification: Likely benign. Last evaluated: 2025-07-01. Review status: criteria provided, single submitter. Criteria: CeGaT Center For Human Genetics Tuebingen Variant Classification Criteria Version 2. Collection method: clinical testing. Allele origin: germline. Affected: yes. Observed: 1 variant allele.
Comment: ADGRL1: BP4, BP7

NM_014921.5(ADGRL1):c.3840C>T (p.Ile1280=)

Genes: ADGRL1 (adhesion G protein-coupled receptor L1; minus strand), ADGRL1-AS1 (ADGRL1 antisense RNA 1; plus strand). Cytogenetic location: 19p13.12.
Variant type: single nucleotide variant.
Coding change: c.3840C>T on transcript NM_014921.5 (MANE Select); coding-DNA position 3840, C replaced by T.
Protein change: p.Ile1280=; no amino-acid change (isoleucine 1280 retained).
Molecular consequence: synonymous variant.
Genome position (GRCh38, 1-based): chr19:14,151,443, G>A on the plus strand (C>T on the coding strand, the complement: ADGRL1 is on the minus strand). VCF-style: chr19-14151443-G-A. GRCh37 (hg19) VCF-style: chr19-14262255-G-A.
Other names: c.3855C>T, p.Ile1285= (NM_001008701.3).
Identifiers: ClinVar variation 4084164 (VCV004084164.8).